The following is an entry in ClinVar:

ClinVar aggregate classification (germline): Uncertain significance (1 of 4 stars; one submission).

Allele frequency attached by ClinVar (database versions not stated): TOPMed 0.00001.

Submission:

Labcorp Genetics (formerly Invitae), Labcorp
Classification: Uncertain significance. Last evaluated: 2021-08-12. Review status: criteria provided, single submitter. Criteria: Invitae Variant Classification Sherloc (09022015). Collection method: clinical testing. Allele origin: germline.
Comment: This sequence change replaces tryptophan with arginine at codon 39 of the TK2 protein (p.Trp39Arg). The tryptophan residue is moderately conserved and there is a moderate physicochemical difference between tryptophan and arginine. The frequency data for this variant in the population databases is considered unreliable, as metrics indicate insufficient coverage at this position in the ExAC database. This variant has not been reported in the literature in individuals affected with TK2-related conditions. Advanced modeling of protein sequence and biophysical properties (such as structural, functional, and spatial information, amino acid conservation, physicochemical variation, residue mobility, and thermodynamic stability) performed at Invitae indicates that this missense variant is not expected to disrupt TK2 protein function. In summary, the available evidence is currently insufficient to determine the role of this variant in disease. Therefore, it has been classified as a Variant of Uncertain Significance.

NM_004614.5(TK2):c.115T>A (p.Trp39Arg)

Genes: TK2 (thymidine kinase 2; minus strand), LOC130059156 (ATAC-STARR-seq lymphoblastoid silent region 7560; plus strand). Cytogenetic location: 16q21.
Variant type: single nucleotide variant.
Coding change: c.115T>A on transcript NM_004614.5 (MANE Select); coding-DNA position 115, T replaced by A.
Protein change: p.Trp39Arg; replaces tryptophan 39 with arginine.
Molecular consequence: missense variant. On other transcripts: 5 prime UTR variant (2), non-coding transcript variant (1), intron variant (2).
Genome position (GRCh38, 1-based): chr16:66,549,947, A>T on the plus strand (T>A on the coding strand, the complement: TK2 is on the minus strand). VCF-style: chr16-66549947-A-T. GRCh37 (hg19) VCF-style: chr16-66583850-A-T.
Other names: c.115T>A, p.Trp39Arg (NM_001172644.2, NM_001172645.2); c.-128T>A (NM_001271934.2); c.-538T>A (NM_001272050.2); c.31+306T>A (NM_001271935.1, NM_001172643.1); short protein forms W39R.
Identifiers: ClinVar variation 1447002 (VCV001447002.3), dbSNP rs1014306017, ClinGen allele CA282199357.